The following is an entry in ClinVar:

ClinVar aggregate classification (germline): Uncertain significance. Review status: criteria provided, multiple submitters, no conflicts (2 of 4 stars). 2 submissions from 2 submitters: Uncertain significance (2). Last evaluated 2023-07-25.

Conditions:
Supravalvar aortic stenosis (SVAS). Also called: Supravalvar aortic stenosis, Eisenberg type. Identifiers: Orphanet 3193, MedGen C0003499, MONDO:0008504, OMIM 185500, HP:0004381.

Allele frequency attached by ClinVar (database versions not stated): gnomAD 0.00001; TOPMed 0.00001.

Submissions (2):

Labcorp Genetics (formerly Invitae), Labcorp
Classification: Uncertain significance for Supravalvar aortic stenosis. Last evaluated: 2023-07-25. Review status: criteria provided, single submitter. Criteria: Invitae Variant Classification Sherloc (09022015). Collection method: clinical testing. Allele origin: germline.
Comment: In summary, the available evidence is currently insufficient to determine the role of this variant in disease. Therefore, it has been classified as a Variant of Uncertain Significance. Experimental studies and prediction algorithms are not available or were not evaluated, and the functional significance of this variant is currently unknown. ClinVar contains an entry for this variant (Variation ID: 502267). This variant has not been reported in the literature in individuals affected with ELN-related conditions. The frequency data for this variant in the population databases is considered unreliable, as metrics indicate poor data quality at this position in the gnomAD database. This sequence change replaces proline, which is neutral and non-polar, with glutamine, which is neutral and polar, at codon 142 of the ELN protein (p.Pro142Gln).

Eurofins Ntd Llc (ga)
Classification: Uncertain significance. Last evaluated: 2017-05-31. Review status: criteria provided, single submitter. Criteria: EGL Classification Definitions 2015. Collection method: clinical testing. Allele origin: germline. Observed: 1 variant allele, 1 heterozygote.

NM_000501.4(ELN):c.425C>A (p.Pro142Gln)

Gene: ELN (elastin; plus strand). Cytogenetic location: 7q11.23.
Variant type: single nucleotide variant.
Coding change: c.425C>A on transcript NM_000501.4 (MANE Select); coding-DNA position 425, C replaced by A.
Protein change: p.Pro142Gln; replaces proline 142 with glutamine.
Molecular consequence: missense variant.
Genome position (GRCh38, 1-based): chr7:74,043,166, C>A. VCF-style: chr7-74043166-C-A. GRCh37 (hg19) VCF-style: chr7-73457496-C-A.
Other names: c.395C>A, p.Pro132Gln (NM_001081752.3, NM_001278917.2, NM_001278918.2); c.440C>A, p.Pro147Gln (NM_001081753.3, NM_001081754.3); c.425C>A, p.Pro142Gln (NM_001081755.3, NM_001278912.2, NM_001278915.2 and 2 more transcripts); c.389C>A, p.Pro130Gln (NM_001278913.2); c.410C>A, p.Pro137Gln (NM_001278914.2); short protein forms P142Q, P130Q, P132Q, P137Q, P147Q.
Identifiers: ClinVar variation 502267 (VCV000502267.9), dbSNP rs1013508230, ClinGen allele CA160127020.